The following is an entry in ClinVar:

ClinVar aggregate classification (germline): Pathogenic/Likely pathogenic. Review status: criteria provided, multiple submitters, no conflicts (2 of 4 stars). 2 submissions from 2 submitters: Pathogenic (1); Likely pathogenic (1). Last evaluated 2022-08-23.

Conditions:
Intellectual developmental disorder, autosomal dominant 47. Also called: MENTAL RETARDATION, AUTOSOMAL DOMINANT 47; Intellectual disability, autosomal dominant 47. Identifiers: Orphanet 502434, MedGen C4539951, MONDO:0030912, OMIM 617635.

Allele frequency attached by ClinVar (database versions not stated): gnomAD exomes below 0.00001.
gnomAD v4.1: 1 of 1,609,068 alleles (0.000062%); highest among the groups gnomAD compares: Non-Finnish European, 0.000085%; no homozygotes.

Submissions (2):

Baylor Genetics
Classification: Likely pathogenic for Intellectual developmental disorder, autosomal dominant 47. Last evaluated: 2022-08-23. Review status: criteria provided, single submitter. Criteria: ACMG Guidelines, 2015. Collection method: clinical testing. Allele origin: unknown.

Juno Genomics, Hangzhou Juno Genomics, Inc
Classification: Pathogenic for Intellectual developmental disorder, autosomal dominant 47. Review status: criteria provided, single submitter. Criteria: ACMG Guidelines, 2015. Collection method: clinical testing. Allele origin: germline.
Comment: Absent from controls (or at extremely low frequency if recessive) in Genome Aggregation Database.;Null variant in a gene where loss of function (LOF) is a known mechanism of disease.;Assumed de novo, but without confirmation of paternity and maternity.

NM_005862.3(STAG1):c.418C>T (p.Arg140Ter)

Gene: STAG1 (STAG1 cohesin complex component; minus strand). Cytogenetic location: 3q22.3.
Variant type: single nucleotide variant.
Coding change: c.418C>T on transcript NM_005862.3 (MANE Select); coding-DNA position 418, C replaced by T.
Protein change: p.Arg140Ter; replaces arginine 140 with a stop codon.
Molecular consequence: nonsense.
Genome position (GRCh38, 1-based): chr3:136,542,172, G>A on the plus strand (C>T on the coding strand, the complement: STAG1 is on the minus strand). VCF-style: chr3-136542172-G-A. GRCh37 (hg19) VCF-style: chr3-136261014-G-A.
Other names: short protein forms R140*.
Identifiers: ClinVar variation 2441671 (VCV002441671.4), dbSNP rs1435519890, ClinGen allele CA354653586.